The following is an entry in ClinVar:

NM_002641.4(PIGA):c.1264C>G (p.Pro422Ala)

Gene: PIGA (phosphatidylinositol glycan anchor biosynthesis class A; minus strand). Cytogenetic location: Xp22.2.
Variant type: single nucleotide variant.
Coding change: c.1264C>G on transcript NM_002641.4 (MANE Select); coding-DNA position 1264, C replaced by G.
Protein change: p.Pro422Ala; replaces proline 422 with alanine.
Molecular consequence: missense variant. On other transcripts: non-coding transcript variant (4).
Genome position (GRCh38, 1-based): chrX:15,321,697, G>C on the plus strand (C>G on the coding strand, the complement: PIGA is on the minus strand). VCF-style: chrX-15321697-G-C. GRCh37 (hg19) VCF-style: chrX-15339819-G-C.
Other names: c.1357C>G, p.Pro453Ala (NM_001440789.1); c.655C>G, p.Pro219Ala (NM_001440790.1); c.562C>G, p.Pro188Ala (NM_020473.3); short protein forms P188A, P219A, P422A, P453A.
Identifiers: ClinVar variation 4746264 (VCV004746264.1).

ClinVar aggregate classification (germline): Uncertain significance (1 of 4 stars; one submission).

Conditions:
Multiple congenital anomalies-hypotonia-seizures syndrome 2 (MCAHS2). Also called: EPILEPTIC ENCEPHALOPATHY, EARLY INFANTILE, 20; GLYCOSYLPHOSPHATIDYLINOSITOL BIOSYNTHESIS DEFECT 4. Identifiers: Orphanet 300496, MedGen C3275508, MONDO:0010466, OMIM 300868.

gnomAD v4.1: 1 of 1,208,313 alleles (0.000083%); highest among the groups gnomAD compares: Non-Finnish European, 0.00011%; no homozygotes.

Submission:

Labcorp Genetics (formerly Invitae), Labcorp
Classification: Uncertain significance for Multiple congenital anomalies-hypotonia-seizures syndrome 2. Last evaluated: 2025-07-06. Review status: criteria provided, single submitter. Criteria: Invitae Variant Classification Sherloc (09022015). Collection method: clinical testing. Allele origin: germline.
Comment: This sequence change replaces proline, which is neutral and non-polar, with alanine, which is neutral and non-polar, at codon 422 of the PIGA protein (p.Pro422Ala). This variant is not present in population databases (gnomAD no frequency). This variant has not been reported in the literature in individuals affected with PIGA-related conditions. Invitae Evidence Modeling of protein sequence and biophysical properties (such as structural, functional, and spatial information, amino acid conservation, physicochemical variation, residue mobility, and thermodynamic stability) indicates that this missense variant is not expected to disrupt PIGA protein function with a negative predictive value of 80%. In summary, the available evidence is currently insufficient to determine the role of this variant in disease. Therefore, it has been classified as a Variant of Uncertain Significance.